The following is an entry in ClinVar:

NM_001042492.3(NF1):c.3309_3312del (p.Phe1103fs)

Gene: NF1 (neurofibromin 1; plus strand). Cytogenetic location: 17q11.2.
Variant type: Deletion.
Coding change: c.3309_3312del on transcript NM_001042492.3 (MANE Select); coding-DNA positions 3309 to 3312, 4 bases deleted (TCTT; older notation c.3309_3312delTCTT).
Protein change: p.Phe1103fs; shifts the reading frame from phenylalanine 1103.
Molecular consequence: frameshift variant.
Genome position (GRCh38, 1-based): chr17:31,232,184-31,232,187, TCTT deleted; deleting any 4 consecutive bases within chr17:31,232,182-31,232,187 gives the same sequence; the c. name uses the placement nearest the transcript's 3' end. VCF-style (leftmost placement, unchanged base first): chr17-31232181-ATTTC-A. GRCh37 (hg19) VCF-style: chr17-29559199-ATTTC-A.
Other names: c.3309_3312delTCTT (NM_000267.3); c.3309_3312delTCTT, p.Phe1103Leufs (NM_000267.4); short protein forms F1103fs.
Identifiers: ClinVar variation 1072572 (VCV001072572.7), dbSNP rs2151433902, ClinGen allele CA2499224092.

ClinVar aggregate classification (germline): Pathogenic (1 of 4 stars; one submission).
ClinVar aggregate classification (oncogenicity): Likely oncogenic (1 of 4 stars; one submission).

Conditions:
Neurofibromatosis, type 1 (NF1). Also called: VON RECKLINGHAUSEN DISEASE; Peripheral type neurofibromatosis; NEUROFIBROMATOSIS, TYPE I, SOMATIC; Neurofibromatosis, type I. Identifiers: Orphanet 636, MedGen C0027831, MONDO:0018975, OMIM 162200. Disease mechanism: loss of function.
Neoplasm. Also called: Neoplasms; Neoplasm (disease); tumor. Identifiers: MedGen C0027651, MeSH D009369, MONDO:0005070, HP:0002664.

Submissions (2):

Center for Genomic Medicine, Rigshospitalet, Copenhagen University Hospital
Classification: Likely oncogenic for Neoplasm. Last evaluated: 2025-03-04. Review status: criteria provided, single submitter. Criteria: ClinGen/CGC/VICC Guidelines for Oncogenicity, 2022. Collection method: clinical testing. Allele origin: somatic. Affected: yes.

Labcorp Genetics (formerly Invitae), Labcorp
Classification: Pathogenic for Neurofibromatosis, type 1. Last evaluated: 2020-10-06. Review status: criteria provided, single submitter. Criteria: Invitae Variant Classification Sherloc (09022015). Collection method: clinical testing. Allele origin: germline.
Comment: This sequence change creates a premature translational stop signal (p.Phe1103Leufs*8) in the NF1 gene. It is expected to result in an absent or disrupted protein product. Loss-of-function variants in NF1 are known to be pathogenic (PMID: 10712197, 23913538). This variant is not present in population databases (ExAC no frequency). This variant has been observed in individual(s) with neurofibromatosis type 1 (PMID: 25541118). For these reasons, this variant has been classified as Pathogenic.

Literature cited by the submitters: PubMed 34046057 (cited by Center for Genomic Medicine, Rigshospitalet, Copenhagen University Hospital); PubMed 25541118 (cited by Center for Genomic Medicine, Rigshospitalet, Copenhagen University Hospital and Labcorp Genetics (formerly Invitae), Labcorp); PubMed 10712197 (cited by Labcorp Genetics (formerly Invitae), Labcorp); PubMed 23913538 (cited by Labcorp Genetics (formerly Invitae), Labcorp).